The following is an entry in ClinVar:

ClinVar aggregate classification (germline): Benign. Review status: criteria provided, multiple submitters, no conflicts (2 of 4 stars). 4 submissions from 4 submitters: Benign (4). Last evaluated 2024-11-28.

Allele frequency attached by ClinVar (database versions not stated): TOPMed 0.31151; ExAC 0.24061; 1000 Genomes Project 0.26697; 1000 Genomes Project 30x 0.27733; gnomAD 0.29760 and 0.30838.
gnomAD v4.1: 338,333 of 1,535,714 alleles (22%); highest among the groups gnomAD compares: African/African-American, 57%; 43,444 homozygotes.

Submissions (4):

Blueprint Genetics
Classification: Benign. Last evaluated: 2024-11-28. Review status: criteria provided, single submitter. Criteria: ACMG Guidelines, 2015. Collection method: clinical testing. Allele origin: germline.

GeneDx
Classification: Benign. Last evaluated: 2013-11-22. Review status: criteria provided, single submitter. Criteria: GeneDx Variant Classification (06012015). Collection method: clinical testing. Allele origin: germline. Affected: yes.
Comment: This variant is considered likely benign or benign based on one or more of the following criteria: it is a conservative change, it occurs at a poorly conserved position in the protein, it is predicted to be benign by multiple in silico algorithms, and/or has population frequency not consistent with disease.

Biesecker Lab/Clinical Genomics Section, National Institutes of Health
Classification: Benign. Last evaluated: 2013-06-24. Review status: criteria provided, single submitter. Criteria: Ng et al. (Circ Cardiovasc Genet. 2013). Collection method: research. Allele origin: unknown. Observed: 73 variant alleles. Study: ClinSeq.
Comment: The study set was not selected for affection status in relation to any cancer. Pathogenicity categories were based on literature curation. See Pubmed ID:23861362 for details.

Medical sequencing

Breakthrough Genomics
Classification: Benign. Review status: criteria provided, single submitter. Criteria: ACMG Guidelines, 2015. Collection method: not provided. Allele origin: germline. Inheritance: Autosomal dominant inheritance. Affected: yes.

NM_001386795.1(DTNA):c.*2593G>A

Gene: DTNA (dystrobrevin alpha; plus strand). Cytogenetic location: 18q12.1.
Variant type: single nucleotide variant.
Coding change: c.*2593G>A on transcript NM_001386795.1 (MANE Select); 2593 bases downstream of the stop codon, G replaced by A.
Molecular consequence: 3 prime UTR variant. On other transcripts: missense variant (2).
Genome position (GRCh38, 1-based): chr18:34,890,327, G>A. VCF-style: chr18-34890327-G-A. GRCh37 (hg19) VCF-style: chr18-32470291-G-A.
Other names: p.E688K:GAG>AAG; c.2062G>A, p.Glu688Lys (NM_001198938.2, NM_001386753.1); c.*2593G>A (NM_001198939.2, NM_001198940.2, NM_001198942.1 and 12 more transcripts); c.*59G>A (NM_001386755.1, NM_001386756.1, NM_001386759.1 and 7 more transcripts); short protein forms E688K.
Identifiers: ClinVar variation 137181 (VCV000137181.4), dbSNP rs9944927, ClinGen allele CA199999.